The following is an entry in ClinVar:

NM_052845.4(MMAB):c.55_57delinsTAA (p.Arg19Ter)

Genes: MMAB (metabolism of cobalamin associated B; minus strand), MVK (mevalonate kinase; plus strand). Cytogenetic location: 12q24.11.
Variant type: Indel.
Coding change: c.55_57delinsTAA on transcript NM_052845.4 (MANE Select); coding-DNA positions 55 to 57, CGC replaced by TAA.
Protein change: p.Arg19Ter; replaces arginine 19 with a stop codon.
Molecular consequence: nonsense. On other transcripts: non-coding transcript variant (1).
Genome position (GRCh38, 1-based): chr12:109,573,424-109,573,426, GCG replaced by TTA on the plus strand (CGC replaced by TAA on the coding strand, the reverse complement: MMAB is on the minus strand). VCF-style: chr12-109573424-GCG-TTA. GRCh37 (hg19) VCF-style: chr12-110011229-GCG-TTA.
Other names: short protein forms R19*.
Identifiers: ClinVar variation 2900700 (VCV002900700.3), dbSNP rs2548614273, ClinGen allele CA2739277307.
Genomic context (GRCh38, chr12:109,573,424, plus strand): 5'-GCCCTGAGGGCCGCGGCTCTGGAAACGGGGATACAGGAGCCTGGCGGCGCCGAAGCACCC[GCG>TTA]CAGGCCAAGACGGCTCCCCAGGCCAAGACGGCTCCCCAGGCCGCACACAGCCATGAGCCA-3'

ClinVar aggregate classification (germline): Pathogenic (1 of 4 stars; one submission).

Conditions:
Methylmalonic aciduria, cblB type (MACB). Also called: Methylmalonic acidemia cblB type; METHYLMALONIC ACIDURIA, VITAMIN B12-RESPONSIVE, DUE TO DEFECT IN SYNTHESIS OF ADENOSYLCOBALAMIN, cblB TYPE; Vitamin B12-responsive methylmalonic acidemia type cblB. Identifiers: Orphanet 28, Orphanet 79311, MedGen C1855102, MONDO:0009614, OMIM 251110.

Submission:

Labcorp Genetics (formerly Invitae), Labcorp
Classification: Pathogenic for Methylmalonic aciduria, cblB type. Last evaluated: 2023-08-01. Review status: criteria provided, single submitter. Criteria: Invitae Variant Classification Sherloc (09022015). Collection method: clinical testing. Allele origin: germline.
Comment: For these reasons, this variant has been classified as Pathogenic. This variant has not been reported in the literature in individuals affected with MMAB-related conditions. Information on the frequency of this variant in the gnomAD database is not available, as this variant may be reported differently in the database. This sequence change creates a premature translational stop signal (p.Arg19*) in the MMAB gene. It is expected to result in an absent or disrupted protein product. Loss-of-function variants in MMAB are known to be pathogenic (PMID: 15781192, 16410054).

Literature cited by the submitters: PubMed 15781192; PubMed 16410054.